The following is an entry in ClinVar:

NC_000004.12:g.(?_3485519)_(3493521_?)del

Genes: DOK7 (docking protein 7; plus strand), LOC129992118 (ATAC-STARR-seq lymphoblastoid silent region 15206; plus strand), LOC126806951 (CDK7 strongly-dependent group 2 enhancer GRCh37_chr4:3486115-3487314; plus strand). Cytogenetic location: 4p16.3.
Variant type: Deletion.
Identifiers: ClinVar variation 465669 (VCV000465669.1).

ClinVar aggregate classification (germline): Pathogenic (1 of 4 stars; one submission).

Conditions:
Fetal akinesia deformation sequence 1 (FADS1). Also called: Fetal akinesia sequence; Pena-Shokeir syndrome type I. Identifiers: Orphanet 994, MedGen C1276035, MONDO:0100101, OMIM 208150, HP:0001989.
Congenital myasthenic syndrome 10. Also called: Myasthenia, limb-girdle, familial. Identifiers: Orphanet 590, MedGen C1850792, MONDO:0009690, OMIM 254300.

Submission:

Labcorp Genetics (formerly Invitae), Labcorp
Classification: Pathogenic for Congenital myasthenic syndrome 10; Fetal akinesia deformation sequence 1. Last evaluated: 2017-03-21. Review status: criteria provided, single submitter. Criteria: Invitae Variant Classification Sherloc (09022015). Collection method: clinical testing. Allele origin: germline.
Comment: This variant is a gross deletion of the genomic region encompassing exons 5-7 of the DOK7 gene. The 5' boundary is likely confined to intron 4. The 3' end of this event is unknown as it extends through the termination codon beyond the assayed region for this gene and may encompass additional genes. While this deletion is not anticipated to result in nonsense mediated decay, it is expected to create a truncated protein product or disrupt mRNA translation. Deletion of exons 5-7 has not been reported in the literature in an individual with a DOK7-related disease. Loss-of-function variants in DOK7 are known to cause autosomal recessive congenital myasthenic syndrome (PMID: 16917026). This deletion removes the C-terminal end of the DOK7 protein, which has been shown to be functionally important. Experimental studies of truncated DOK7 protein have shown a failure to induce MuSK activation and proper AChR clustering (PMID: 18165682). For these reasons, this variant has been classified as Pathogenic.